The following is an entry in ClinVar:

ClinVar aggregate classification (germline): Benign. Review status: criteria provided, multiple submitters, no conflicts (2 of 4 stars). 3 submissions from 3 submitters: Benign (2). 1 of the submissions does not count toward it.

Conditions:
FUT6-related disorder. Also called: FUT6-related condition.
Fucosyltransferase 6 deficiency. Identifiers: MedGen C3151219, MONDO:0013462, OMIM 613852.

Allele frequency attached by ClinVar (database versions not stated): TOPMed 0.12252; 1000 Genomes Project 30x 0.18317; 1000 Genomes Project 0.18870.
gnomAD v4.1: 158,606 of 1,612,286 alleles (9.8%); highest among the groups gnomAD compares: East Asian, 47%; 13,495 homozygotes.

Submissions (3):

Breakthrough Genomics
Classification: Benign. Review status: criteria provided, single submitter. Criteria: ACMG Guidelines, 2015. Collection method: not provided. Allele origin: germline. Inheritance: Unknown mechanism. Affected: yes.

Broad Center for Mendelian Genomics, Broad Institute of MIT and Harvard
Classification: Benign for Fucosyltransferase 6 deficiency. Review status: criteria provided, single submitter. Criteria: ACMG Guidelines, 2015. Collection method: research. Allele origin: germline. Affected: yes.
Comment: The heterozygous p.Arg303Gly variant in FUT6 has been identified in 9 Indonesian and 2 Swedish individuals without fucosyltransferase deficiency (PMID: 11102976). In vitro functional studies provide some evidence that the p.Arg303Gly variant may not impact protein function (PMID: 11102976). However, these types of assays may not accurately represent biological function. This variant is classified as benign for fucosyltransferase deficiency because it has been identified in >40% of East Asian chromosomes by ExAC.

PreventionGenetics, part of Exact Sciences
Classification: Benign for FUT6-related condition. Last evaluated: 2019-10-18. Review status: no assertion criteria provided. Collection method: clinical testing. Allele origin: germline. Not counted in ClinVar's aggregate classification.
Comment: This variant is classified as benign based on ACMG/AMP sequence variant interpretation guidelines (Richards et al. 2015 PMID: 25741868, with internal and published modifications).

NM_000150.4(FUT6):c.907C>G (p.Arg303Gly)

Gene: FUT6 (fucosyltransferase 6; minus strand). Cytogenetic location: 19p13.3.
Variant type: single nucleotide variant.
Coding change: c.907C>G on transcript NM_000150.4 (MANE Select); coding-DNA position 907, C replaced by G.
Protein change: p.Arg303Gly; replaces arginine 303 with glycine.
Molecular consequence: missense variant.
Genome position (GRCh38, 1-based): chr19:5,831,661, G>C on the plus strand (C>G on the coding strand, the complement: FUT6 is on the minus strand). VCF-style: chr19-5831661-G-C. GRCh37 (hg19) VCF-style: chr19-5831672-G-C.
Other names: c.907C>G, p.Arg303Gly (NM_001040701.2, NM_001369502.1, NM_001369504.1 and 6 more transcripts); c.907C>G (NM_000150.2); short protein forms R303G.
Identifiers: ClinVar variation 979160 (VCV000979160.4), dbSNP rs61147939, ClinGen allele CA9117859.